The following is an entry in ClinVar:

NM_001039591.3(USP9X):c.7620T>C (p.Tyr2540=)

Gene: USP9X (ubiquitin specific peptidase 9 X-linked; plus strand). Cytogenetic location: Xp11.4.
Variant type: single nucleotide variant.
Coding change: c.7620T>C on transcript NM_001039591.3 (MANE Select); coding-DNA position 7620, T replaced by C.
Protein change: p.Tyr2540=; no amino-acid change (tyrosine 2540 retained).
Molecular consequence: synonymous variant.
Genome position (GRCh38, 1-based): chrX:41,232,479, T>C. VCF-style: chrX-41232479-T-C. GRCh37 (hg19) VCF-style: chrX-41091732-T-C.
Other names: c.7668T>C, p.Tyr2556= (NM_001039590.3); c.7683T>C, p.Tyr2561= (NM_001410748.1); c.7635T>C, p.Tyr2545= (NM_001410749.1).
Identifiers: ClinVar variation 2660335 (VCV002660335.24), dbSNP rs374804278, ClinGen allele CA10389259.
Genomic context (GRCh38, chrX:41,232,479, plus strand): 5'-CCCAGCAGCACATCACATGAACAACCCTCAGAGAACTGGCCAACGAGCACAAGAAAATTA[T>C]GAAGGCAGTGAAGAAGTATCCCCACCTCAAACCAAGGATCAATGAAATGCACATAATTAA-3'
Protein context (NP_001034680.2, residues 2530-2550): QRTGQRAQEN[Tyr2540=]EGSEEVSPPQ

ClinVar aggregate classification (germline): Likely benign (1 of 4 stars; one submission).

Allele frequency attached by ClinVar (database versions not stated): gnomAD exomes below 0.00001; ExAC 0.00001; gnomAD 0.00001; TOPMed 0.00001; ESP Exome Variant Server 0.00009.
gnomAD v4.1: 6 of 1,209,551 alleles (0.0005%); highest among the groups gnomAD compares: Admixed American, 0.0044%; no homozygotes.

Submission:

CeGaT Center for Human Genetics Tuebingen
Classification: Likely benign. Last evaluated: 2022-10-01. Review status: criteria provided, single submitter. Criteria: CeGaT Center For Human Genetics Tuebingen Variant Classification Criteria Version 2. Collection method: clinical testing. Allele origin: germline. Affected: yes. Observed: 2 variant alleles.
Comment: USP9X: BP4, BP7